The following is an entry in ClinVar:

NM_001330588.2(TPP2):c.2159A>G (p.Glu720Gly)

Gene: TPP2 (tripeptidyl peptidase 2; plus strand). Cytogenetic location: 13q33.1.
Variant type: single nucleotide variant.
Coding change: c.2159A>G on transcript NM_001330588.2 (MANE Select); coding-DNA position 2159, A replaced by G.
Protein change: p.Glu720Gly; replaces glutamic acid 720 with glycine.
Molecular consequence: missense variant. On other transcripts: non-coding transcript variant (1).
Genome position (GRCh38, 1-based): chr13:102,643,360, A>G. VCF-style: chr13-102643360-A-G. GRCh37 (hg19) VCF-style: chr13-103295710-A-G.
Other names: c.2159A>G, p.Glu720Gly (NM_001367947.1, NM_003291.4); short protein forms E720G.
Identifiers: ClinVar variation 1354712 (VCV001354712.1), dbSNP rs2139528215, ClinGen allele CA388494807.
Genomic context (GRCh38, chr13:102,643,360, plus strand): 5'-CATATCGAAGCCATGAATTCTATAAGTTTTGTTCTCTTCCAGAGAAAGGAACACTGACTG[A>G]AGCTTTTCCTGTCCTAGTAAGTTTAATTATAGTTTATAATCCTAACACAATTTATTTGCC-3'
Protein context (NP_001317517.1, residues 710-730): CSLPEKGTLT[Glu720Gly]AFPVLGGKAI

ClinVar aggregate classification (germline): Uncertain significance (1 of 4 stars; one submission).

Conditions:
Evans syndrome, immunodeficiency, and premature immunosenescence associated with tripeptidyl-peptidase II deficiency. Identifiers: MedGen CN231723. Disease mechanism: loss of function.

Submission:

Labcorp Genetics (formerly Invitae), Labcorp
Classification: Uncertain significance for Evans syndrome, immunodeficiency, and premature immunosenescence associated with tripeptidyl-peptidase II deficiency. Last evaluated: 2021-09-30. Review status: criteria provided, single submitter. Criteria: Invitae Variant Classification Sherloc (09022015). Collection method: clinical testing. Allele origin: germline.
Comment: This sequence change replaces glutamic acid with glycine at codon 720 of the TPP2 protein (p.Glu720Gly). The glutamic acid residue is highly conserved and there is a moderate physicochemical difference between glutamic acid and glycine. This variant is not present in population databases (ExAC no frequency). This variant has not been reported in the literature in individuals affected with TPP2-related conditions. Algorithms developed to predict the effect of missense changes on protein structure and function (SIFT, PolyPhen-2, Align-GVGD) all suggest that this variant is likely to be tolerated. In summary, the available evidence is currently insufficient to determine the role of this variant in disease. Therefore, it has been classified as a Variant of Uncertain Significance.